The following is an entry in ClinVar:

ClinVar aggregate classification (germline): Uncertain significance (1 of 4 stars; one submission).

Conditions:
Finnish congenital nephrotic syndrome (NPHS1). Also called: NEPHROTIC SYNDROME, TYPE 1. Identifiers: Orphanet 839, MedGen C0403399, MONDO:0009732, OMIM 256300.

Submission:

Neuberg Centre For Genomic Medicine, NCGM
Classification: Uncertain significance for Finnish congenital nephrotic syndrome. Review status: criteria provided, single submitter. Criteria: ACMG Guidelines, 2015. Collection method: clinical testing. Allele origin: germline. Inheritance: Autosomal recessive inheritance. Affected: yes.
Comment: The splice site c.3108A>C(p.Pro1036) variant has not been reported previously as a pathogenic variant nor as a benign variant, to our knowledge. The variant is novel (not in any individuals) in gnomAD and1000 Genomes. This variant has not been reported to the ClinVar database. This p.Pro1036 type of mutation causes no change in the protein that is produced, which is why it is considered as synonymous mutation. The synonymous variant is present near the splice site. For these reasons, this variant has been classified as Uncertain Significance.

NM_004646.4(NPHS1):c.3108A>C (p.Pro1036=)

Gene: NPHS1 (NPHS1 adhesion molecule, nephrin; minus strand). Cytogenetic location: 19q13.12.
Variant type: single nucleotide variant.
Coding change: c.3108A>C on transcript NM_004646.4 (MANE Select); coding-DNA position 3108, A replaced by C.
Protein change: p.Pro1036=; no amino-acid change (proline 1036 retained).
Molecular consequence: synonymous variant.
Genome position (GRCh38, 1-based): chr19:35,839,238, T>G on the plus strand (A>C on the coding strand, the complement: NPHS1 is on the minus strand). VCF-style: chr19-35839238-T-G. GRCh37 (hg19) VCF-style: chr19-36330140-T-G.
Identifiers: ClinVar variation 2585297 (VCV002585297.1), dbSNP rs2513765542, ClinGen allele CA507073738.